The following is an entry in ClinVar:

NM_001145026.2(PTPRQ):c.1693C>T (p.Arg565Cys)

Gene: PTPRQ (protein tyrosine phosphatase receptor type Q; plus strand). Cytogenetic location: 12q21.31.
Variant type: single nucleotide variant.
Coding change: c.1693C>T on transcript NM_001145026.2 (MANE Select); coding-DNA position 1693, C replaced by T.
Protein change: p.Arg565Cys; replaces arginine 565 with cysteine.
Molecular consequence: missense variant.
Genome position (GRCh38, 1-based): chr12:80,495,085, C>T. VCF-style: chr12-80495085-C-T. GRCh37 (hg19) VCF-style: chr12-80888864-C-T.
Other names: short protein forms R565C.
Identifiers: ClinVar variation 4980510 (VCV004980510.1).

ClinVar aggregate classification (germline): Likely benign (1 of 4 stars; one submission).

Conditions:
PTPRQ-related disorder. Also called: PTPRQ-related condition.

gnomAD v4.1: 408 of 1,550,368 alleles (0.026%); highest among the groups gnomAD compares: South Asian, 0.31%; no homozygotes.

Submission:

PreventionGenetics, part of Exact Sciences
Classification: Likely benign for PTPRQ-related condition. Last evaluated: 2024-12-09. Review status: criteria provided, single submitter. Criteria: ACMG Guidelines, 2015. Collection method: clinical testing. Allele origin: germline.
Comment: This variant is classified as likely benign based on ACMG/AMP sequence variant interpretation guidelines (Richards et al. 2015 PMID: 25741868, with internal and published modifications).